The following is an entry in ClinVar:

NM_001378452.1(ITPR1):c.5872G>A (p.Ala1958Thr)

Gene: ITPR1 (inositol 1,4,5-trisphosphate receptor type 1; plus strand). Cytogenetic location: 3p26.1.
Variant type: single nucleotide variant.
Coding change: c.5872G>A on transcript NM_001378452.1 (MANE Select); coding-DNA position 5872, G replaced by A.
Protein change: p.Ala1958Thr; replaces alanine 1958 with threonine.
Molecular consequence: missense variant.
Genome position (GRCh38, 1-based): chr3:4,768,657, G>A. VCF-style: chr3-4768657-G-A. GRCh37 (hg19) VCF-style: chr3-4810341-G-A.
Other names: c.5728G>A, p.Ala1910Thr (NM_001099952.4); c.5827G>A, p.Ala1943Thr (NM_001168272.2); c.5683G>A, p.Ala1895Thr (NM_002222.7); c.5683G>A (NM_002222.5); short protein forms A1895T, A1910T, A1943T, A1958T.
Identifiers: ClinVar variation 1897994 (VCV001897994.6), dbSNP rs748574432, ClinGen allele CA2232453.
Genomic context (GRCh38, chr3:4,768,657, plus strand): 5'-TTCAGGAGGGAGGCTGATCCCGACGACCACTACCAGCCTGGAGAGGGCACCCAGGCCACT[G>A]CCGACAAGGCCAAGGACGACCTGGAGATGAGCGCGGTCATCACCATCATGCAGCCCATCC-3'
Protein context (NP_001365381.1, residues 1948-1968): YQPGEGTQAT[Ala1958Thr]DKAKDDLEMS

ClinVar aggregate classification (germline): Conflicting classifications of pathogenicity. Review status: criteria provided, conflicting classifications (1 of 4 stars). 2 submissions from 2 submitters: Uncertain significance (1); Likely benign (1). Last evaluated 2025-12-11.

Conditions:
Inborn genetic diseases. Identifiers: MedGen C0950123, MeSH D030342.

Allele frequency attached by ClinVar (database versions not stated): gnomAD 0.00001; gnomAD exomes 0.00001; TOPMed 0.00001; ExAC 0.00002.
gnomAD v4.1: 8 of 1,613,876 alleles (0.0005%); highest among the groups gnomAD compares: East Asian, 0.0067%; no homozygotes.

Submissions (2):

Ambry Genetics
Classification: Likely benign for Inborn genetic diseases. Last evaluated: 2025-12-11. Review status: criteria provided, single submitter. Criteria: Ambry Variant Classification Scheme 2023. Collection method: clinical testing. Allele origin: germline.

Labcorp Genetics (formerly Invitae), Labcorp
Classification: Uncertain significance. Last evaluated: 2022-10-03. Review status: criteria provided, single submitter. Criteria: Invitae Variant Classification Sherloc (09022015). Collection method: clinical testing. Allele origin: germline.
Comment: In summary, the available evidence is currently insufficient to determine the role of this variant in disease. Therefore, it has been classified as a Variant of Uncertain Significance. Advanced modeling of protein sequence and biophysical properties (such as structural, functional, and spatial information, amino acid conservation, physicochemical variation, residue mobility, and thermodynamic stability) performed at Invitae indicates that this missense variant is not expected to disrupt ITPR1 protein function. This variant has not been reported in the literature in individuals affected with ITPR1-related conditions. This variant is present in population databases (rs748574432, gnomAD 0.03%). This sequence change replaces alanine, which is neutral and non-polar, with threonine, which is neutral and polar, at codon 1895 of the ITPR1 protein (p.Ala1895Thr).